The following is an entry in ClinVar:

ClinVar aggregate classification (germline): Uncertain significance. Review status: criteria provided, multiple submitters, no conflicts (2 of 4 stars). 2 submissions from 2 submitters: Uncertain significance (2). Last evaluated 2023-12-26.

Conditions:
Aniridia 1 (AN1). Identifiers: Orphanet 250923, MedGen C0344542, MONDO:0024507, OMIM 106210.
Irido-corneo-trabecular dysgenesis (ASGD5). Also called: ANTERIOR SEGMENT DYSGENESIS 5. Identifiers: Orphanet 708, MedGen C0344559, MONDO:0011414, OMIM 604229, HP:0000659.
Inborn genetic diseases. Identifiers: MedGen C0950123, MeSH D030342.

Submissions (2):

Ambry Genetics
Classification: Uncertain significance for Inborn genetic diseases. Last evaluated: 2023-12-26. Review status: criteria provided, single submitter. Criteria: Ambry Variant Classification Scheme 2023. Collection method: clinical testing. Allele origin: germline.

Labcorp Genetics (formerly Invitae), Labcorp
Classification: Uncertain significance for Aniridia 1; Irido-corneo-trabecular dysgenesis. Last evaluated: 2023-12-05. Review status: criteria provided, single submitter. Criteria: Invitae Variant Classification Sherloc (09022015). Collection method: clinical testing. Allele origin: germline.
Comment: This sequence change replaces glutamic acid, which is acidic and polar, with aspartic acid, which is acidic and polar, at codon 181 of the PAX6 protein (p.Glu181Asp). This variant is not present in population databases (gnomAD no frequency). This variant has not been reported in the literature in individuals affected with PAX6-related conditions. Advanced modeling of protein sequence and biophysical properties (such as structural, functional, and spatial information, amino acid conservation, physicochemical variation, residue mobility, and thermodynamic stability) performed at Invitae indicates that this missense variant is not expected to disrupt PAX6 protein function with a negative predictive value of 95%. In summary, the available evidence is currently insufficient to determine the role of this variant in disease. Therefore, it has been classified as a Variant of Uncertain Significance.

NM_001368894.2(PAX6):c.585A>C (p.Glu195Asp)

Gene: PAX6 (paired box 6; minus strand). Cytogenetic location: 11p13.
Variant type: single nucleotide variant.
Coding change: c.585A>C on transcript NM_001368894.2 (MANE Select); coding-DNA position 585, A replaced by C.
Protein change: p.Glu195Asp; replaces glutamic acid 195 with aspartic acid.
Molecular consequence: missense variant. On other transcripts: 5 prime UTR variant (1), non-coding transcript variant (2).
Genome position (GRCh38, 1-based): chr11:31,794,769, T>G on the plus strand (A>C on the coding strand, the complement: PAX6 is on the minus strand). VCF-style: chr11-31794769-T-G. GRCh37 (hg19) VCF-style: chr11-31816317-T-G.
Other names: c.543A>C, p.Glu181Asp (NM_000280.6, NM_001127612.3, NM_001258464.2 and 10 more transcripts); c.585A>C, p.Glu195Asp (NM_001258462.3, NM_001258463.2, NM_001310158.2 and 6 more transcripts); c.135A>C, p.Glu45Asp (NM_001310160.2, NM_001310161.3, NM_001368899.2 and 11 more transcripts); c.786A>C, p.Glu262Asp (NM_001368910.2); c.588A>C, p.Glu196Asp (NM_001368911.2); c.660A>C, p.Glu220Asp (NM_001368918.2, NM_001368919.2); c.618A>C, p.Glu206Asp (NM_001368920.2); c.384A>C, p.Glu128Asp (NM_001368921.2, NM_001368922.2, NM_001368923.2 and 4 more transcripts); and 2 more; short protein forms E195D, E220D, E262D, E114D, E128D, E181D, E196D, E45D.
Identifiers: ClinVar variation 2953553 (VCV002953553.4), dbSNP rs2495322124, ClinGen allele CA379957154.
Genomic context (GRCh38, chr11:31,794,769, plus strand): 5'-TTGAGCCTCATCTGAATCTTCTCCGTTGGAACTGATGGAGTTGGTATTCTCTCCCCCTCC[T>G]TCCTGTTGCTGGCAGCCATCTGGAACAAAAAGAATAGGATGGTAAGAGAAATTTGGATTA-3'
Protein context (NP_001355823.1, residues 185-205): QPTQDGCQQQ[Glu195Asp]GGGENTNSIS